The following is an entry in ClinVar:

ClinVar aggregate classification (germline): Uncertain significance. Review status: criteria provided, multiple submitters, no conflicts (2 of 4 stars). 3 submissions from 3 submitters: Uncertain significance (3). Last evaluated 2026-04-09.

Conditions:
Inborn genetic diseases. Identifiers: MedGen C0950123, MeSH D030342.
PCNT-related disorder. Also called: PCNT-related condition.
Microcephalic osteodysplastic primordial dwarfism type II (MOPD2). Also called: Microcephalic osteodysplastic primordial dwarfism with tooth abnormalities; MOPD II; OSTEODYSPLASTIC PRIMORDIAL DWARFISM, TYPE II. Identifiers: Orphanet 2637, MedGen C0432246, MONDO:0008872, OMIM 210720.

Allele frequency attached by ClinVar (database versions not stated): TOPMed below 0.00001; gnomAD 0.00001; gnomAD exomes 0.00002 and 0.00003; ExAC 0.00004.
gnomAD v4.1: 25 of 1,613,888 alleles (0.0015%); highest among the groups gnomAD compares: Non-Finnish European, 0.0021%; no homozygotes.

Submissions (3):

PreventionGenetics, part of Exact Sciences
Classification: Uncertain significance for PCNT-related condition. Last evaluated: 2026-04-09. Review status: criteria provided, single submitter. Criteria: ACMG Guidelines, 2015. Collection method: clinical testing. Allele origin: germline.
Comment: The PCNT c.3626C>T variant is predicted to result in the amino acid substitution p.Thr1209Ile. To our knowledge, this variant has not been reported in the literature. This variant is reported in 0.0070% of alleles in individuals of European (Non-Finnish) descent in gnomAD. At this time, the clinical significance of this variant is uncertain due to the absence of conclusive functional and genetic evidence.

Ambry Genetics
Classification: Uncertain significance for Inborn genetic diseases. Last evaluated: 2025-08-27. Review status: criteria provided, single submitter. Criteria: Ambry Variant Classification Scheme 2023. Collection method: clinical testing. Allele origin: germline.

Illumina Laboratory Services, Illumina
Classification: Uncertain significance for Microcephalic osteodysplastic primordial dwarfism type II. Last evaluated: 2018-01-12. Review status: criteria provided, single submitter. Criteria: ICSL Variant Classification Criteria 13 December 2019. Collection method: clinical testing. Allele origin: germline.

NM_006031.6(PCNT):c.3626C>T (p.Thr1209Ile)

Gene: PCNT (pericentrin; plus strand). Cytogenetic location: 21q22.3.
Variant type: single nucleotide variant.
Coding change: c.3626C>T on transcript NM_006031.6 (MANE Select); coding-DNA position 3626, C replaced by T.
Protein change: p.Thr1209Ile; replaces threonine 1209 with isoleucine.
Molecular consequence: missense variant.
Genome position (GRCh38, 1-based): chr21:46,389,217, C>T. VCF-style: chr21-46389217-C-T. GRCh37 (hg19) VCF-style: chr21-47809132-C-T.
Other names: c.3272C>T, p.Thr1091Ile (NM_001315529.2); short protein forms T1091I, T1209I.
Identifiers: ClinVar variation 896880 (VCV000896880.6), dbSNP rs772421309, ClinGen allele CA10079405.
Genomic context (GRCh38, chr21:46,389,217, plus strand): 5'-TGCTCACTGAGCCGCGTGTGCCGGCATCTGCTCATCTTGTAGCTCCGGCGCTGGAGGAGA[C>T]ATGGTCTGATGTGGCCCTCCCGGAGTTGGACAGAACTTTGTCTGAATGTGCAGAGATGTC-3'
Protein context (NP_006022.3, residues 1199-1219): ALSTAPALEE[Thr1209Ile]WSDVALPELD